The following is an entry in ClinVar:

ClinVar aggregate classification (germline): Pathogenic/Likely pathogenic. Review status: criteria provided, multiple submitters, no conflicts (2 of 4 stars). 2 submissions from 2 submitters: Pathogenic (1); Likely pathogenic (1). Last evaluated 2025-07-23.

Conditions:
Hereditary spherocytosis type 1. Also called: Spherocytosis type 1; ANK1-Related Spherocytosis. Identifiers: Orphanet 822, MedGen C2674218, MONDO:0008447, OMIM 182900.

Submissions (2):

Labcorp Genetics (formerly Invitae), Labcorp
Classification: Pathogenic. Last evaluated: 2025-07-23. Review status: criteria provided, single submitter. Criteria: Invitae Variant Classification Sherloc (09022015). Collection method: clinical testing. Allele origin: germline.
Comment: This sequence change creates a premature translational stop signal (p.Trp600*) in the ANK1 gene. It is expected to result in an absent or disrupted protein product. Loss-of-function variants in ANK1 are known to be pathogenic (PMID: 8640229). This variant is not present in population databases (gnomAD no frequency). This variant has not been reported in the literature in individuals affected with ANK1-related conditions. ClinVar contains an entry for this variant (Variation ID: 3895525). For these reasons, this variant has been classified as Pathogenic.

Neuberg Centre For Genomic Medicine, NCGM
Classification: Likely pathogenic for Hereditary spherocytosis type 1. Last evaluated: 2024-02-01. Review status: criteria provided, single submitter. Criteria: ACMG Guidelines, 2015. Collection method: clinical testing. Allele origin: germline. Inheritance: Autosomal dominant inheritance. Affected: yes.
Comment: The stop gained c.1800G>A (p.Trp600Ter) variant, adjacent to splice region in ANK1 gene has not been reported previously as a pathogenic variant nor as a benign variant, to our knowledge. This sequence change creates a premature translational stop signal (p.Trp600Ter) in the ANK1 gene. This variant is predicted to cause loss of normal protein function through protein truncation. Loss of function variants in ANK1 gene have been previously reported to be disease causing (Hao et al., 2019). However, additional functional studies will be required to prove the pathogenicity of this variant conclusively.

Literature cited by the submitters: PubMed 8640229 (cited by Labcorp Genetics (formerly Invitae), Labcorp).

NM_000037.4(ANK1):c.1800G>A (p.Trp600Ter)

Genes: ANK1 (ankyrin 1; minus strand), LOC126860369 (BRD4-independent group 4 enhancer GRCh37_chr8:41570734-41571933; plus strand). Cytogenetic location: 8p11.21.
Variant type: single nucleotide variant.
Coding change: c.1800G>A on transcript NM_000037.4 (MANE Select); coding-DNA position 1800, G replaced by A.
Protein change: p.Trp600Ter; replaces tryptophan 600 with a stop codon.
Molecular consequence: nonsense.
Genome position (GRCh38, 1-based): chr8:41,714,156, C>T on the plus strand (G>A on the coding strand, the complement: ANK1 is on the minus strand). VCF-style: chr8-41714156-C-T. GRCh37 (hg19) VCF-style: chr8-41571674-C-T.
Other names: c.1899G>A, p.Trp633Ter (NM_001142446.2); c.1800G>A, p.Trp600Ter (NM_020475.3, NM_020476.3, NM_020477.3); short protein forms W600*, W633*.
Identifiers: ClinVar variation 3895525 (VCV003895525.2).
Genomic context (GRCh38, chr8:41,714,156, plus strand): 5'-ACTGGAAGGTAGCAGGTGACCTGCTCTCCAGGGGCAGCTGGGGAGAGGGGCGGGCCTTAC[C>T]CAGGCAGGGCTGTGCGGGGAGCCGCCCCGGGGAAGCAGCAGCTTGACGATGTCCAGGTTG-3'